The following is an entry in ClinVar:

NM_172369.5(C1QC):c.392C>G (p.Pro131Arg)

Gene: C1QC (complement C1q C chain; plus strand). Cytogenetic location: 1p36.12.
Variant type: single nucleotide variant.
Coding change: c.392C>G on transcript NM_172369.5 (MANE Select); coding-DNA position 392, C replaced by G.
Protein change: p.Pro131Arg; replaces proline 131 with arginine.
Molecular consequence: missense variant.
Genome position (GRCh38, 1-based): chr1:22,647,437, C>G. VCF-style: chr1-22647437-C-G. GRCh37 (hg19) VCF-style: chr1-22973930-C-G.
Other names: c.392C>G, p.Pro131Arg (NM_001114101.3, NM_001347619.2); c.125C>G, p.Pro42Arg (NM_001347620.2); short protein forms P131R, P42R.
Identifiers: ClinVar variation 1931273 (VCV001931273.2), dbSNP rs368674737, ClinGen allele CA677966.

ClinVar aggregate classification (germline): Uncertain significance (1 of 4 stars; one submission).

Allele frequency attached by ClinVar (database versions not stated): ExAC 0.00002; gnomAD 0.00002; TOPMed 0.00003; gnomAD exomes 0.00006; ESP Exome Variant Server 0.00008.

Submission:

Labcorp Genetics (formerly Invitae), Labcorp
Classification: Uncertain significance. Last evaluated: 2022-07-15. Review status: criteria provided, single submitter. Criteria: Invitae Variant Classification Sherloc (09022015). Collection method: clinical testing. Allele origin: germline.
Comment: This sequence change replaces proline, which is neutral and non-polar, with arginine, which is basic and polar, at codon 131 of the C1QC protein (p.Pro131Arg). This variant is present in population databases (rs368674737, gnomAD 0.007%). This variant has not been reported in the literature in individuals affected with C1QC-related conditions. Algorithms developed to predict the effect of missense changes on protein structure and function are either unavailable or do not agree on the potential impact of this missense change (SIFT: "Tolerated"; PolyPhen-2: "Possibly Damaging"; Align-GVGD: "Class C0"). In summary, the available evidence is currently insufficient to determine the role of this variant in disease. Therefore, it has been classified as a Variant of Uncertain Significance.